The following is an entry in ClinVar:

ClinVar aggregate classification (germline): Conflicting classifications of pathogenicity. Review status: criteria provided, conflicting classifications (1 of 4 stars). 4 submissions from 4 submitters: Uncertain significance (3); Likely benign (1). Last evaluated 2025-12-06.

Conditions:
Capillary malformation-arteriovenous malformation syndrome. Also called: Capillary malformation-arteriovenous malformation. Identifiers: Orphanet 137667, MedGen C1842180, MONDO:0012016.
Cardiovascular phenotype. Identifiers: MedGen CN230736.

Allele frequency attached by ClinVar (database versions not stated): gnomAD 0.00001; TOPMed 0.00002.
gnomAD v4.1: 22 of 1,550,696 alleles (0.0014%); highest among the groups gnomAD compares: Admixed American, 0.0039%; no homozygotes.

Submissions (4):

Labcorp Genetics (formerly Invitae), Labcorp
Classification: Uncertain significance for Capillary malformation-arteriovenous malformation syndrome. Last evaluated: 2025-12-06. Review status: criteria provided, single submitter. Criteria: Invitae Variant Classification Sherloc (09022015). Collection method: clinical testing. Allele origin: germline.
Comment: This sequence change replaces alanine, which is neutral and non-polar, with valine, which is neutral and non-polar, at codon 6 of the RASA1 protein (p.Ala6Val). The frequency data for this variant in the population databases is considered unreliable, as metrics indicate poor data quality at this position in the gnomAD database. This variant has not been reported in the literature in individuals affected with RASA1-related conditions. ClinVar contains an entry for this variant (Variation ID: 411715). An algorithm developed to predict the effect of missense changes on protein structure and function (PolyPhen-2) suggests that this variant is likely to be disruptive. In summary, the available evidence is currently insufficient to determine the role of this variant in disease. Therefore, it has been classified as a Variant of Uncertain Significance.

CeGaT Center for Human Genetics Tuebingen
Classification: Uncertain significance. Last evaluated: 2023-08-01. Review status: criteria provided, single submitter. Criteria: CeGaT Center For Human Genetics Tuebingen Variant Classification Criteria Version 2. Collection method: clinical testing. Allele origin: germline. Affected: yes. Observed: 1 variant allele.
Comment: RASA1: PM2

Ambry Genetics
Classification: Uncertain significance for Cardiovascular phenotype. Last evaluated: 2022-10-07. Review status: criteria provided, single submitter. Criteria: Ambry Variant Classification Scheme 2023. Collection method: clinical testing. Allele origin: germline.
Comment: The p.A6V variant (also known as c.17C>T), located in coding exon 1 of the RASA1 gene, results from a C to T substitution at nucleotide position 17. The alanine at codon 6 is replaced by valine, an amino acid with similar properties. This amino acid position is conserved. In addition, this alteration is predicted to be tolerated by in silico analysis. Since supporting evidence is limited at this time, the clinical significance of this alteration remains unclear.

Blueprint Genetics
Classification: Likely benign. Last evaluated: 2022-05-25. Review status: criteria provided, single submitter. Criteria: ACMG Guidelines, 2015. Collection method: clinical testing. Allele origin: germline.

NM_002890.3(RASA1):c.17C>T (p.Ala6Val)

Gene: RASA1 (RAS p21 protein activator 1; plus strand). Cytogenetic location: 5q14.3.
Variant type: single nucleotide variant.
Coding change: c.17C>T on transcript NM_002890.3 (MANE Select); coding-DNA position 17, C replaced by T.
Protein change: p.Ala6Val; replaces alanine 6 with valine.
Molecular consequence: missense variant.
Genome position (GRCh38, 1-based): chr5:87,268,468, C>T. VCF-style: chr5-87268468-C-T. GRCh37 (hg19) VCF-style: chr5-86564285-C-T.
Other names: short protein forms A6V.
Identifiers: ClinVar variation 411715 (VCV000411715.36), dbSNP rs1010729751, ClinGen allele CA16611923.